The following is an entry in ClinVar:

ClinVar aggregate classification (germline): Uncertain significance. Review status: criteria provided, multiple submitters, no conflicts (2 of 4 stars). 4 submissions from 4 submitters: Uncertain significance (3). 1 of the submissions does not count toward it. Last evaluated 2023-12-05.

Conditions:
Hereditary cancer-predisposing syndrome. Also called: Neoplastic Syndromes, Hereditary; Hereditary Cancer Syndrome; Hereditary neoplastic syndrome; Tumor predisposition. Identifiers: Orphanet 140162, MedGen C0027672, MeSH D009386, MONDO:0015356.
Microcephaly, normal intelligence and immunodeficiency (NBS). Also called: Immunodeficiency, microcephaly with normal intelligence; SEEMANOVA SYNDROME II; Nijmegen breakage syndrome; Microcephaly with normal intelligence immunodeficiency and lymphoreticular malignancies; Nonsyndromal microcephaly autosomal recessive with normal intelligence; Seemanova syndrome 2. Identifiers: Orphanet 647, MedGen C0398791, MONDO:0009623, OMIM 251260.

Submissions (4):

Ambry Genetics
Classification: Uncertain significance for Hereditary cancer-predisposing syndrome. Last evaluated: 2023-12-05. Review status: criteria provided, single submitter. Criteria: Ambry Variant Classification Scheme 2023. Collection method: clinical testing. Allele origin: germline.
Comment: The p.D525E variant (also known as c.1575T>A), located in coding exon 11 of the NBN gene, results from a T to A substitution at nucleotide position 1575. The aspartic acid at codon 525 is replaced by glutamic acid, an amino acid with highly similar properties. This amino acid position is poorly conserved in available vertebrate species. In addition, this alteration is predicted to be tolerated by in silico analysis. Since supporting evidence is limited at this time, the clinical significance of this alteration remains unclear.

Labcorp Genetics (formerly Invitae), Labcorp
Classification: Uncertain significance for Microcephaly, normal intelligence and immunodeficiency. Last evaluated: 2022-01-28. Review status: criteria provided, single submitter. Criteria: Invitae Variant Classification Sherloc (09022015). Collection method: clinical testing. Allele origin: germline.
Comment: ClinVar contains an entry for this variant (Variation ID: 141971). In summary, the available evidence is currently insufficient to determine the role of this variant in disease. Therefore, it has been classified as a Variant of Uncertain Significance. Algorithms developed to predict the effect of missense changes on protein structure and function output the following: SIFT: "Tolerated"; PolyPhen-2: "Benign"; Align-GVGD: "Class C0". The glutamic acid amino acid residue is found in multiple mammalian species, which suggests that this missense change does not adversely affect protein function. This variant has not been reported in the literature in individuals affected with NBN-related conditions. This variant is not present in population databases (gnomAD no frequency). This sequence change replaces aspartic acid, which is acidic and polar, with glutamic acid, which is acidic and polar, at codon 525 of the NBN protein (p.Asp525Glu).

Genome-Nilou Lab
Classification: Uncertain significance for Microcephaly, normal intelligence and immunodeficiency. Last evaluated: 2021-11-07. Review status: criteria provided, single submitter. Criteria: ACMG Guidelines, 2015. Collection method: clinical testing. Allele origin: germline. Affected: no.

Natera, Inc.
Classification: Uncertain significance for Nijmegen breakage syndrome. Last evaluated: 2020-02-26. Review status: no assertion criteria provided. Collection method: clinical testing. Allele origin: germline. Not counted in ClinVar's aggregate classification.

NM_002485.5(NBN):c.1575T>A (p.Asp525Glu)

Gene: NBN (nibrin; minus strand). Cytogenetic location: 8q21.3.
Variant type: single nucleotide variant.
Coding change: c.1575T>A on transcript NM_002485.5 (MANE Select); coding-DNA position 1575, T replaced by A.
Protein change: p.Asp525Glu; replaces aspartic acid 525 with glutamic acid.
Molecular consequence: missense variant.
Genome position (GRCh38, 1-based): chr8:89,953,514, A>T on the plus strand (T>A on the coding strand, the complement: NBN is on the minus strand). VCF-style: chr8-89953514-A-T. GRCh37 (hg19) VCF-style: chr8-90965742-A-T.
Other names: c.1329T>A, p.Asp443Glu (NM_001024688.3); short protein forms D525E, D443E.
Identifiers: ClinVar variation 141971 (VCV000141971.22), dbSNP rs587782150, ClinGen allele CA166976.